The following is an entry in ClinVar:

ClinVar aggregate classification (germline): Uncertain significance. Review status: criteria provided, multiple submitters, no conflicts (2 of 4 stars). 5 submissions from 4 submitters: Uncertain significance (5). Last evaluated 2025-03-20.

Conditions:
Neu-Laxova syndrome 1 (NLS1). Identifiers: Orphanet 2671, Orphanet 583607, MedGen C4551478, MONDO:0009736, OMIM 256520. Disease mechanism: loss of function.
PHGDH deficiency. Identifiers: Orphanet 79351, MedGen C1866174, MONDO:0011152, OMIM 601815.

Allele frequency attached by ClinVar (database versions not stated): ExAC 0.00002; gnomAD exomes 0.00002; TOPMed 0.00003; gnomAD 0.00005; ESP Exome Variant Server 0.00008.
gnomAD v4.1: 30 of 1,613,968 alleles (0.0019%); highest among the groups gnomAD compares: Admixed American, 0.022%; no homozygotes.

Submissions (5):

GeneDx
Classification: Uncertain significance. Last evaluated: 2025-03-20. Review status: criteria provided, single submitter. Criteria: GeneDx Variant Classification Process June 2021. Collection method: clinical testing. Allele origin: germline. Affected: yes.
Comment: Not observed at significant frequency in large population cohorts (gnomAD); In silico analysis supports that this missense variant has a deleterious effect on protein structure/function; Has not been previously published as pathogenic or benign to our knowledge

Labcorp Genetics (formerly Invitae), Labcorp
Classification: Uncertain significance for PHGDH deficiency. Last evaluated: 2024-12-12. Review status: criteria provided, single submitter. Criteria: Invitae Variant Classification Sherloc (09022015). Collection method: clinical testing. Allele origin: germline.
Comment: This sequence change replaces alanine, which is neutral and non-polar, with threonine, which is neutral and polar, at codon 88 of the PHGDH protein (p.Ala88Thr). The frequency data for this variant in the population databases is considered unreliable, as metrics indicate poor data quality at this position in the gnomAD database. This variant has not been reported in the literature in individuals affected with PHGDH-related conditions. ClinVar contains an entry for this variant (Variation ID: 1029061). Invitae Evidence Modeling of protein sequence and biophysical properties (such as structural, functional, and spatial information, amino acid conservation, physicochemical variation, residue mobility, and thermodynamic stability) has been performed for this missense variant. However, the output from this modeling did not meet the statistical confidence thresholds required to predict the impact of this variant on PHGDH protein function. In summary, the available evidence is currently insufficient to determine the role of this variant in disease. Therefore, it has been classified as a Variant of Uncertain Significance.

Genome-Nilou Lab
Classification: Uncertain significance for Neu-Laxova syndrome 1. Last evaluated: 2023-04-11. Review status: criteria provided, single submitter. Criteria: ACMG Guidelines, 2015. Collection method: clinical testing. Allele origin: germline. Affected: no.

Genome-Nilou Lab
Classification: Uncertain significance for PHGDH deficiency. Last evaluated: 2023-04-11. Review status: criteria provided, single submitter. Criteria: ACMG Guidelines, 2015. Collection method: clinical testing. Allele origin: germline. Affected: no.

Baylor Genetics
Classification: Uncertain significance for Neu-Laxova syndrome 1. Last evaluated: 2019-10-12. Review status: criteria provided, single submitter. Criteria: ACMG Guidelines, 2015. Collection method: clinical testing. Allele origin: unknown. Affected: yes.
Comment: This variant was determined to be of uncertain significance according to ACMG Guidelines, 2015 [PMID:25741868].

NM_006623.4(PHGDH):c.262G>A (p.Ala88Thr)

Gene: PHGDH (phosphoglycerate dehydrogenase; plus strand). Cytogenetic location: 1p12.
Variant type: single nucleotide variant.
Coding change: c.262G>A on transcript NM_006623.4 (MANE Select); coding-DNA position 262, G replaced by A.
Protein change: p.Ala88Thr; replaces alanine 88 with threonine.
Molecular consequence: missense variant.
Genome position (GRCh38, 1-based): chr1:119,721,293, G>A. VCF-style: chr1-119721293-G-A. GRCh37 (hg19) VCF-style: chr1-120263916-G-A.
Other names: short protein forms A88T.
Identifiers: ClinVar variation 1029061 (VCV001029061.5), dbSNP rs142988234, ClinGen allele CA1036977.